The following is an entry in ClinVar:

ClinVar aggregate classification (germline): Uncertain significance. Review status: criteria provided, multiple submitters, no conflicts (2 of 4 stars). 2 submissions from 2 submitters: Uncertain significance (2). Last evaluated 2023-04-04.

Allele frequency attached by ClinVar (database versions not stated): gnomAD exomes 0.00001 and 0.00002; TOPMed 0.00001; ExAC 0.00003; gnomAD 0.00003.
gnomAD v4.1: 12 of 1,613,772 alleles (0.00074%); highest among the groups gnomAD compares: Admixed American, 0.0017%; no homozygotes.

Submissions (2):

Blueprint Genetics
Classification: Uncertain significance. Last evaluated: 2023-04-04. Review status: criteria provided, single submitter. Criteria: ACMG Guidelines, 2015. Collection method: clinical testing. Allele origin: germline.

Labcorp Genetics (formerly Invitae), Labcorp
Classification: Uncertain significance. Last evaluated: 2021-11-01. Review status: criteria provided, single submitter. Criteria: Invitae Variant Classification Sherloc (09022015). Collection method: clinical testing. Allele origin: germline.
Comment: In summary, the available evidence is currently insufficient to determine the role of this variant in disease. Therefore, it has been classified as a Variant of Uncertain Significance. Algorithms developed to predict the effect of missense changes on protein structure and function are either unavailable or do not agree on the potential impact of this missense change (SIFT: "Deleterious"; PolyPhen-2: "Probably Damaging"; Align-GVGD: "Class C0"). This variant has not been reported in the literature in individuals affected with ADGRV1-related conditions. This variant is present in population databases (rs764655774, gnomAD 0.008%). This sequence change replaces phenylalanine, which is neutral and non-polar, with leucine, which is neutral and non-polar, at codon 3976 of the ADGRV1 protein (p.Phe3976Leu).

NM_032119.4(ADGRV1):c.11928T>G (p.Phe3976Leu)

Gene: ADGRV1 (adhesion G protein-coupled receptor V1; plus strand). Cytogenetic location: 5q14.3.
Variant type: single nucleotide variant.
Coding change: c.11928T>G on transcript NM_032119.4 (MANE Select); coding-DNA position 11928, T replaced by G.
Protein change: p.Phe3976Leu; replaces phenylalanine 3976 with leucine.
Molecular consequence: missense variant. On other transcripts: non-coding transcript variant (1).
Genome position (GRCh38, 1-based): chr5:90,757,149, T>G. VCF-style: chr5-90757149-T-G. GRCh37 (hg19) VCF-style: chr5-90052966-T-G.
Other names: short protein forms F3976L.
Identifiers: ClinVar variation 1423957 (VCV001423957.7), dbSNP rs764655774, ClinGen allele CA3341076.